The following is an entry in ClinVar:

NM_004415.4(DSP):c.4275G>T (p.Arg1425Ser)

Gene: DSP (desmoplakin; plus strand). Cytogenetic location: 6p24.3.
Variant type: single nucleotide variant.
Coding change: c.4275G>T on transcript NM_004415.4 (MANE Select); coding-DNA position 4275, G replaced by T.
Protein change: p.Arg1425Ser; replaces arginine 1425 with serine.
Molecular consequence: missense variant. On other transcripts: intron variant (2).
Genome position (GRCh38, 1-based): chr6:7,580,465, G>T. VCF-style: chr6-7580465-G-T. GRCh37 (hg19) VCF-style: chr6-7580698-G-T.
Other names: c.4275G>T (LRG_423t1); c.4050+225G>T (NM_001319034.2); c.3582+693G>T (NM_001008844.3); short protein forms R1425S.
Identifiers: ClinVar variation 653101 (VCV000653101.12), dbSNP rs763489227, ClinGen allele CA362685941.

ClinVar aggregate classification (germline): Conflicting classifications of pathogenicity. Review status: criteria provided, conflicting classifications (1 of 4 stars). 3 submissions from 3 submitters: Uncertain significance (2); Likely benign (1). Last evaluated 2025-03-27.

Conditions:
Cardiovascular phenotype. Identifiers: MedGen CN230736.
Arrhythmogenic cardiomyopathy with wooly hair and keratoderma. Also called: PALMOPLANTAR KERATODERMA WITH LEFT VENTRICULAR CARDIOMYOPATHY AND WOOLLY HAIR; Carvajal syndrome; Dilated cardiomyopathy with woolly hair and keratoderma; Arrhythmogenic cardiomyopathy with woolly hair and keratoderma. Identifiers: Orphanet 65282, MedGen C1854063, MONDO:0011581, OMIM 605676.
Arrhythmogenic right ventricular dysplasia 8 (ARVD8). Also called: ARRHYTHMOGENIC RIGHT VENTRICULAR DYSPLASIA, FAMILIAL, 8; ARRHYTHMOGENIC RIGHT VENTRICULAR CARDIOMYOPATHY 8; Arrhythmogenic Right Ventricular Dysplasia/Cardiomyopathy 8. Identifiers: MedGen C1843896, MONDO:0011831, OMIM 607450.

Allele frequency attached by ClinVar (database versions not stated): TOPMed 0.00001; gnomAD 0.00002.
gnomAD v4.1: 3 of 1,613,826 alleles (0.00019%); highest among the groups gnomAD compares: African/African-American, 0.004%; no homozygotes.

Submissions (3):

Labcorp Genetics (formerly Invitae), Labcorp
Classification: Likely benign for Arrhythmogenic cardiomyopathy with wooly hair and keratoderma; Arrhythmogenic right ventricular dysplasia 8. Last evaluated: 2025-03-27. Review status: criteria provided, single submitter. Criteria: Invitae Variant Classification Sherloc (09022015). Collection method: clinical testing. Allele origin: germline.

All of Us Research Program, National Institutes of Health
Classification: Uncertain significance for Arrhythmogenic cardiomyopathy with wooly hair and keratoderma. Last evaluated: 2023-05-31. Review status: criteria provided, single submitter. Criteria: ACMG Guidelines, 2015. Collection method: clinical testing. Allele origin: germline. Inheritance: Autosomal dominant inheritance. Observed: 1 variant allele, 1 heterozygote.
Comment: This study involves interpretation of variants in research participants for the purpose of population health screening. Participant phenotype was not available at the time of variant classification. Additional details can be found in publication PMID: 35346344, PMCID: PMC8962531

Ambry Genetics
Classification: Uncertain significance for Cardiovascular phenotype. Last evaluated: 2022-09-16. Review status: criteria provided, single submitter. Criteria: Ambry Variant Classification Scheme 2023. Collection method: clinical testing. Allele origin: germline.
Comment: The p.R1425S variant (also known as c.4275G>T), located in coding exon 23 of the DSP gene, results from a G to T substitution at nucleotide position 4275. The arginine at codon 1425 is replaced by serine, an amino acid with dissimilar properties. This amino acid position is conserved. In addition, the in silico prediction for this alteration is inconclusive. Since supporting evidence is limited at this time, the clinical significance of this alteration remains unclear.